The following is an entry in ClinVar:

NM_207361.6(FREM2):c.9452G>C (p.Ser3151Thr)

Gene: FREM2 (FRAS1 related extracellular matrix 2; plus strand). Cytogenetic location: 13q13.3.
Variant type: single nucleotide variant.
Coding change: c.9452G>C on transcript NM_207361.6 (MANE Select); coding-DNA position 9452, G replaced by C.
Protein change: p.Ser3151Thr; replaces serine 3151 with threonine.
Molecular consequence: missense variant.
Genome position (GRCh38, 1-based): chr13:38,880,729, G>C. VCF-style: chr13-38880729-G-C. GRCh37 (hg19) VCF-style: chr13-39454866-G-C.
Other names: short protein forms S3151T.
Identifiers: ClinVar variation 1914679 (VCV001914679.4), dbSNP rs1297300623, ClinGen allele CA387911777.

ClinVar aggregate classification (germline): Uncertain significance (1 of 4 stars; one submission).

Allele frequency attached by ClinVar (database versions not stated): TOPMed 0.00001; gnomAD 0.00002.
gnomAD v4.1: 3 of 1,614,076 alleles (0.00019%); highest among the groups gnomAD compares: African/African-American, 0.004%; no homozygotes.

Submission:

Labcorp Genetics (formerly Invitae), Labcorp
Classification: Uncertain significance. Last evaluated: 2025-04-21. Review status: criteria provided, single submitter. Criteria: Invitae Variant Classification Sherloc (09022015). Collection method: clinical testing. Allele origin: germline.
Comment: This sequence change replaces serine, which is neutral and polar, with threonine, which is neutral and polar, at codon 3151 of the FREM2 protein (p.Ser3151Thr). This variant is present in population databases (no rsID available, gnomAD 0.01%). This variant has not been reported in the literature in individuals affected with FREM2-related conditions. ClinVar contains an entry for this variant (Variation ID: 1914679). An algorithm developed to predict the effect of missense changes on protein structure and function (PolyPhen-2) suggests that this variant is likely to be tolerated. In summary, the available evidence is currently insufficient to determine the role of this variant in disease. Therefore, it has been classified as a Variant of Uncertain Significance.